The following continues an entry in ClinVar:

NM_000059.4(BRCA2):c.10089A>G (p.Ile3363Met)

Gene: BRCA2. ClinVar aggregate classification (germline): Conflicting classifications of pathogenicity. Uncertain significance (7); Benign (1); Likely benign (7).

Submissions 16 to 19 of 19:

BRCAlab, Lund University
Classification: Uncertain significance for Breast-ovarian cancer, familial, susceptibility to, 2. Last evaluated: 2020-03-02. Review status: no assertion criteria provided. Collection method: clinical testing. Allele origin: germline. Affected: yes. Not counted in ClinVar's aggregate classification.

Molecular Diagnostics, Rajiv Gandhi Cancer Institute & Research Center
Classification: Uncertain significance for Breast-ovarian cancer, familial, susceptibility to, 2. Last evaluated: 2016-12-28. Review status: no assertion criteria provided. Collection method: clinical testing. Allele origin: germline. Inheritance: Autosomal dominant inheritance. Affected: yes. Not counted in ClinVar's aggregate classification.

Breast Cancer Information Core (BIC) (BRCA2)
Classification: Uncertain significance for Breast-ovarian cancer, familial 2. Last evaluated: 2004-02-20. Review status: no assertion criteria provided. Collection method: clinical testing. Allele origin: germline. Affected: yes. Observed: 1 variant allele. Not counted in ClinVar's aggregate classification.

Department of Pathology and Laboratory Medicine, Sinai Health System
Classification: Uncertain significance for Malignant tumor of breast. Review status: no assertion criteria provided. Collection method: clinical testing. Allele origin: unknown. Affected: yes. Study: The Canadian Open Genetics Repository (COGR). Not counted in ClinVar's aggregate classification.
Comment: The BRCA2 p.Ile3363Met variant was not identified in the literature nor was it identified in the Cosmic, MutDB, LOVD 3.0, ARUP Laboratories, and Zhejiang Colon Cancer Database. The variant was identified in dbSNP (ID: rs80358390) â€šÃ„ÃºWith other alleleâ€šÃ„Ã¹, ClinVar (with conflicting interpretations of pathogenicity; classified likely benign by Invitae, GeneDx and uncertain significance by Ambry Genetics, Quest Diagnostics Nichols Institute San Juan Capistrano, BIC and Centre for MolecularDiagnostics & Cell Biology (Rajiv Gandhi Caner Institute & Research Center)), Clinvitae (4x), UMD-LSDB (2x as 3-UV), BIC Database (1x with clinical importance unknown, classification pending), and in control databases in 24 of 276930 chromosomes at a frequency of 0.00009 increasing the likelihood this could be a low frequency benign variant (Genome Aggregation Database Feb 27, 2017). Breakdown of the observations by population include African in 1 of 24010 chromosomes (freq: 0.00004), European Non-Finnish in 2 of 126512 chromosomes (freq: 0.00002), and South Asian in 21 of 30772 chromosomes (freq: 0.0007). while not observed in the Other, Latino, Ashkenazi Jewish, East Asian, and European Finnish populations. The p.Ile3363 residue is not conserved in mammals and computational analyses (PolyPhen-2, SIFT, AlignGVGD, BLOSUM, MutationTaster) do not suggest a high likelihood Met impacts the protein; however, this information is not predictive enough to rule out pathogenicity. The variant occurs outside of the splicing consensus sequence and in silico or computational prediction software programs (SpliceSiteFinder, MaxEntScan, NNSPLICE, GeneSplicer, HumanSpliceFinder) do not predict a difference in splicing. In summary, based on the above information the clinical significance of this variant cannot be determined with certainty at this time. This variant is classified as a variant of uncertain significance.

Literature cited by the submitters: PubMed 30555256 (cited by 5 submitters); PubMed 24504028 (cited by 5 submitters); PubMed 31159747 (cited by 4 submitters); PubMed 37415649 (cited by Quest Diagnostics Nichols Institute San Juan Capistrano); PubMed 31911673 (cited by Quest Diagnostics Nichols Institute San Juan Capistrano); PubMed 33471991 (cited by 3 submitters).